The following is an entry in ClinVar:

NM_004675.5(DIRAS3):c.207C>T (p.Thr69=)

Genes: DIRAS3 (DIRAS family GTPase 3; minus strand), GNG12-AS1 (GNG12, DIRAS3 and WLS antisense RNA 1; plus strand). Cytogenetic location: 1p31.3.
Variant type: single nucleotide variant.
Coding change: c.207C>T on transcript NM_004675.5 (MANE Select); coding-DNA position 207, C replaced by T.
Protein change: p.Thr69=; no amino-acid change (threonine 69 retained).
Molecular consequence: synonymous variant.
Genome position (GRCh38, 1-based): chr1:68,047,091, G>A on the plus strand (C>T on the coding strand, the complement: DIRAS3 is on the minus strand). VCF-style: chr1-68047091-G-A. GRCh37 (hg19) VCF-style: chr1-68512774-G-A.
Identifiers: ClinVar variation 3032282 (VCV003032282.2), dbSNP rs554165010, ClinGen allele CA901421.
Genomic context (GRCh38, chr1:68,047,091, plus strand): 5'-GATGTGCAGGGAAAGCACACCGTGGCTGCAGCCCAGCAACTGGCAGTAGGTATTTTCAAT[G>A]GTCGGCAGGTACTCATGACGGAAGTTGCCGCTCGCCCACTTGTGCAGCAGCGTACTTTTC-3'
Protein context (NP_004666.1, residues 59-79): SGNFRHEYLP[Thr69=]IENTYCQLLG

ClinVar aggregate classification (germline): Likely benign (0 of 4 stars; one submission).

Conditions:
DIRAS3-related disorder. Also called: DIRAS3-related condition.

Allele frequency attached by ClinVar (database versions not stated): ExAC 0.00004; gnomAD 0.00009; TOPMed 0.00011; 1000 Genomes Project 0.00020; 1000 Genomes Project 30x 0.00031.
gnomAD v4.1: 33 of 1,614,200 alleles (0.002%); highest among the groups gnomAD compares: African/African-American, 0.033%; no homozygotes.

Submission:

PreventionGenetics, part of Exact Sciences
Classification: Likely benign for DIRAS3-related condition. Last evaluated: 2022-05-16. Review status: no assertion criteria provided. Collection method: clinical testing. Allele origin: germline.
Comment: This variant is classified as likely benign based on ACMG/AMP sequence variant interpretation guidelines (Richards et al. 2015 PMID: 25741868, with internal and published modifications).